The following is an entry in ClinVar:

ClinVar aggregate classification (germline): Uncertain significance (1 of 4 stars; one submission).

Allele frequency attached by ClinVar (database versions not stated): gnomAD exomes 0.00004.
gnomAD v4.1: 12 of 1,537,128 alleles (0.00078%); highest among the groups gnomAD compares: Admixed American, 0.012%; no homozygotes.

Submission:

Labcorp Genetics (formerly Invitae), Labcorp
Classification: Uncertain significance. Last evaluated: 2023-12-11. Review status: criteria provided, single submitter. Criteria: Invitae Variant Classification Sherloc (09022015). Collection method: clinical testing. Allele origin: germline.
Comment: This sequence change replaces glycine, which is neutral and non-polar, with tryptophan, which is neutral and slightly polar, at codon 469 of the FAM20C protein (p.Gly469Trp). This variant is present in population databases (no rsID available, gnomAD 0.02%). This variant has not been reported in the literature in individuals affected with FAM20C-related conditions. Advanced modeling of protein sequence and biophysical properties (such as structural, functional, and spatial information, amino acid conservation, physicochemical variation, residue mobility, and thermodynamic stability) has been performed at Invitae for this missense variant, however the output from this modeling did not meet the statistical confidence thresholds required to predict the impact of this variant on FAM20C protein function. In summary, the available evidence is currently insufficient to determine the role of this variant in disease. Therefore, it has been classified as a Variant of Uncertain Significance.

NM_020223.4(FAM20C):c.1405G>T (p.Gly469Trp)

Gene: FAM20C (FAM20C golgi associated secretory pathway kinase; plus strand). Cytogenetic location: 7p22.3.
Variant type: single nucleotide variant.
Coding change: c.1405G>T on transcript NM_020223.4 (MANE Select); coding-DNA position 1405, G replaced by T.
Protein change: p.Gly469Trp; replaces glycine 469 with tryptophan.
Molecular consequence: missense variant.
Genome position (GRCh38, 1-based): chr7:257,046, G>T. VCF-style: chr7-257046-G-T. GRCh37 (hg19) VCF-style: chr7-297012-G-T.
Other names: short protein forms G469W.
Identifiers: ClinVar variation 1461572 (VCV001461572.5), dbSNP rs1480298527, ClinGen allele CA366525830.
Genomic context (GRCh38, chr7:257,046, plus strand): 5'-TTTCTGCCTCTCTCCGCAGGAAACATGGACCGTCACCACTACGAGACTTTTGAGAAGTTT[G>T]GGAATGAAACGTTCATCATCCACTTAGACAATGGAAGAGGGTGAGCCTGTCCTCGCCCCT-3'
Protein context (NP_064608.2, residues 459-479): RHHYETFEKF[Gly469Trp]NETFIIHLDN